The following is an entry in ClinVar:

GRCh37/hg19 2p16.3(chr2:50871418-51603924)x1

Gene: NRXN1 (neurexin 1; minus strand). Cytogenetic location: 2p16.3.
Variant type: copy number loss.
Change: copy number 1 (one copy instead of two) of chr2:50,871,418-51,603,924 (732.5 kb, GRCh37 coordinates, 1-based), cytogenetic band 2p16.3.
Identifiers: ClinVar variation 1341023 (VCV001341023.1).

ClinVar aggregate classification (germline): Pathogenic (0 of 4 stars; one submission).

Submission:

Quest Diagnostics Nichols Institute San Juan Capistrano
Classification: Pathogenic. Last evaluated: 2021-05-01. Review status: no assertion criteria provided. Collection method: clinical testing. Allele origin: germline.
Comment: This deletion involves the 5' portion of NRXN1 (OMIM *600565). Biallelic variation of NRXN1 can cause autosomal recessive Pitt-Hopkins-like syndrome-2 (OMIM #614325). Additionally, heterozygous deletion of NRXN1 has been reported in patients with a wide spectrum of developmental and neuropsychiatric disorders, including intellectual disability, autism spectrum disorders, hypotonia and epilepsy, and disorders of speech and verbal expression. While some deletions occurred de novo/segregated with disease in families, others were inherited from asymptomatic parents, suggesting reduced penetrance and variable expressivity (see list of references at bottom). Despite this, and the occurrence of NRXN1 deletions in the general populations of the Database of Genomic Variants, a recent study suggests partial deletions near the 5' end (like the one identified here) have a higher penetrance for expression of neurodevelopmental phenotypes compared to those at the 3' end (Lowther et al. Genet Med. 2017 Jan;19(1):53-61. PMID: 27195815). Thus, the clinical significance of this copy number variant (CNV) is pathogenic.